The following is an entry in ClinVar:

NM_004273.5(CHST3):c.1151A>G (p.Glu384Gly)

Gene: CHST3 (carbohydrate sulfotransferase 3; plus strand). Cytogenetic location: 10q22.1.
Variant type: single nucleotide variant.
Coding change: c.1151A>G on transcript NM_004273.5 (MANE Select); coding-DNA position 1151, A replaced by G.
Protein change: p.Glu384Gly; replaces glutamic acid 384 with glycine.
Molecular consequence: missense variant.
Genome position (GRCh38, 1-based): chr10:72,008,182, A>G. VCF-style: chr10-72008182-A-G. GRCh37 (hg19) VCF-style: chr10-73767940-A-G.
Other names: short protein forms E384G.
Identifiers: ClinVar variation 2012821 (VCV002012821.4), dbSNP rs2494773444, ClinGen allele CA377151380.
Genomic context (GRCh38, chr10:72,008,182, plus strand): 5'-GCCGCTACATGCTGGTGCGCTACGAGGACGTGGCACGCGGGCCGCTGCAGAAGGCCCGCG[A>G]GATGTACCGCTTCGCCGGCATCCCCCTGACCCCGCAGGTGGAAGACTGGATCCAAAAGAA-3'
Protein context (NP_004264.2, residues 374-394): VARGPLQKAR[Glu384Gly]MYRFAGIPLT

ClinVar aggregate classification (germline): Uncertain significance (1 of 4 stars; one submission).

Conditions:
Spondyloepiphyseal dysplasia with congenital joint dislocations (SEDCJD). Also called: Chondrodysplasia with Congenital Joint Dislocations, CHST3-Related. Identifiers: Orphanet 263463, MedGen C1837657, MONDO:0007738, OMIM 143095.

Submission:

Labcorp Genetics (formerly Invitae), Labcorp
Classification: Uncertain significance for Spondyloepiphyseal dysplasia with congenital joint dislocations. Last evaluated: 2022-07-01. Review status: criteria provided, single submitter. Criteria: Invitae Variant Classification Sherloc (09022015). Collection method: clinical testing. Allele origin: germline.
Comment: This variant is not present in population databases (gnomAD no frequency). In summary, the available evidence is currently insufficient to determine the role of this variant in disease. Therefore, it has been classified as a Variant of Uncertain Significance. Algorithms developed to predict the effect of missense changes on protein structure and function are either unavailable or do not agree on the potential impact of this missense change (SIFT: "Deleterious"; PolyPhen-2: "Possibly Damaging"; Align-GVGD: "Class C15"). This variant has not been reported in the literature in individuals affected with CHST3-related conditions. This sequence change replaces glutamic acid, which is acidic and polar, with glycine, which is neutral and non-polar, at codon 384 of the CHST3 protein (p.Glu384Gly).